The following is an entry in ClinVar:

NM_006231.4(POLE):c.4702A>G (p.Ile1568Val)

Gene: POLE (DNA polymerase epsilon, catalytic subunit; minus strand). Cytogenetic location: 12q24.33.
Variant type: single nucleotide variant.
Coding change: c.4702A>G on transcript NM_006231.4 (MANE Select); coding-DNA position 4702, A replaced by G.
Protein change: p.Ile1568Val; replaces isoleucine 1568 with valine.
Molecular consequence: missense variant.
Genome position (GRCh38, 1-based): chr12:132,642,846, T>C on the plus strand (A>G on the coding strand, the complement: POLE is on the minus strand). VCF-style: chr12-132642846-T-C. GRCh37 (hg19) VCF-style: chr12-133219432-T-C.
Other names: c.4702A>G (NM_006231.2); short protein forms I1568V.
Identifiers: ClinVar variation 1495290 (VCV001495290.9), dbSNP rs2138539098, ClinGen allele CA387378702.

ClinVar aggregate classification (germline): Conflicting classifications of pathogenicity. Review status: criteria provided, conflicting classifications (1 of 4 stars). 2 submissions from 2 submitters: Uncertain significance (1); Likely benign (1). Last evaluated 2026-02-18.

Conditions:
Hereditary cancer-predisposing syndrome. Also called: Neoplastic Syndromes, Hereditary; Tumor predisposition; Hereditary Cancer Syndrome; Hereditary neoplastic syndrome. Identifiers: Orphanet 140162, MedGen C0027672, MeSH D009386, MONDO:0015356.

Allele frequency attached by ClinVar (database versions not stated): gnomAD exomes below 0.00001.
gnomAD v4.1: 1 of 1,614,054 alleles (0.000062%); highest among the groups gnomAD compares: South Asian, 0.0011%; no homozygotes.

Submissions (2):

Ambry Genetics
Classification: Likely benign for Hereditary cancer-predisposing syndrome. Last evaluated: 2026-02-18. Review status: criteria provided, single submitter. Criteria: Ambry Variant Classification Scheme 2023. Collection method: clinical testing. Allele origin: germline.

Labcorp Genetics (formerly Invitae), Labcorp
Classification: Uncertain significance. Last evaluated: 2021-06-01. Review status: criteria provided, single submitter. Criteria: Invitae Variant Classification Sherloc (09022015). Collection method: clinical testing. Allele origin: germline.
Comment: Algorithms developed to predict the effect of missense changes on protein structure and function output the following: SIFT: "Tolerated"; PolyPhen-2: "Benign"; Align-GVGD: "Class C15". The valine amino acid residue is found in multiple mammalian species, suggesting that this missense change does not adversely affect protein function. These predictions have not been confirmed by published functional studies and their clinical significance is uncertain. This sequence change replaces isoleucine with valine at codon 1568 of the POLE protein (p.Ile1568Val). The isoleucine residue is moderately conserved and there is a small physicochemical difference between isoleucine and valine. This variant is not present in population databases (ExAC no frequency). This variant has not been reported in the literature in individuals with POLE-related conditions. In summary, the available evidence is currently insufficient to determine the role of this variant in disease. Therefore, it has been classified as a Variant of Uncertain Significance.